The following is an entry in ClinVar:

NM_032271.3(TRAF7):c.1848C>G (p.Val616=)

Gene: TRAF7 (TNF receptor associated factor 7; plus strand). Cytogenetic location: 16p13.3.
Variant type: single nucleotide variant.
Coding change: c.1848C>G on transcript NM_032271.3 (MANE Select); coding-DNA position 1848, C replaced by G.
Protein change: p.Val616=; no amino-acid change (valine 616 retained).
Molecular consequence: synonymous variant.
Genome position (GRCh38, 1-based): chr16:2,176,150, C>G. VCF-style: chr16-2176150-C-G. GRCh37 (hg19) VCF-style: chr16-2226151-C-G.
Identifiers: ClinVar variation 4535033 (VCV004535033.6).

ClinVar aggregate classification (germline): Likely benign (1 of 4 stars; one submission).

Submission:

CeGaT Center for Human Genetics Tuebingen
Classification: Likely benign. Last evaluated: 2025-10-01. Review status: criteria provided, single submitter. Criteria: CeGaT Center For Human Genetics Tuebingen Variant Classification Criteria Version 2. Collection method: clinical testing. Allele origin: germline. Affected: yes. Observed: 1 variant allele.
Comment: TRAF7: BP4, BP7